The following is an entry in ClinVar:

NM_001257291.2(SLC9A7):c.1853G>T (p.Gly618Val)

Gene: SLC9A7 (solute carrier family 9 member A7; minus strand). Cytogenetic location: Xp11.3.
Variant type: single nucleotide variant.
Coding change: c.1853G>T on transcript NM_001257291.2 (MANE Select); coding-DNA position 1853, G replaced by T.
Protein change: p.Gly618Val; replaces glycine 618 with valine.
Molecular consequence: missense variant.
Genome position (GRCh38, 1-based): chrX:46,613,365, C>A on the plus strand (G>T on the coding strand, the complement: SLC9A7 is on the minus strand). VCF-style: chrX-46613365-C-A. GRCh37 (hg19) VCF-style: chrX-46472800-C-A.
Other names: c.1850G>T, p.Gly617Val (NM_032591.3); short protein forms G617V, G618V.
Identifiers: ClinVar variation 2505691 (VCV002505691.2), dbSNP rs2519354630, ClinGen allele CA413033486.
Genomic context (GRCh38, chrX:46,613,365, plus strand): 5'-CTGGTCAGACATCGAGCTAGTAAGCCACACCAGGCGGGGAGCGTGGTGGTTAGTGGGGGA[C>A]CACTGTGTGTGAGGATGGGCTTCAGGTAACTTTAAAATGTGAATTAAGGAAAAATGGCTG-3'
Protein context (NP_001244220.1, residues 608-628): NYLKPILTHS[Gly618Val]PPLTTTLPAW

ClinVar aggregate classification (germline): Uncertain significance (1 of 4 stars; one submission).

Submission:

GeneDx
Classification: Uncertain significance. Last evaluated: 2026-08-26. Review status: criteria provided, single submitter. Criteria: GeneDx Variant Classification Process June 2021. Collection method: clinical testing. Allele origin: germline.
Comment: Not observed at significant frequency in large population cohorts (gnomAD); In silico analysis supports that this missense variant has a deleterious effect on protein structure/function; Has not been previously published as pathogenic or benign to our knowledge